The following is an entry in ClinVar:

NM_000051.4(ATM):c.8206_8207dup (p.Asn2736fs)

Genes: ATM (ATM serine/threonine kinase; plus strand), C11orf65 (chromosome 11 open reading frame 65; minus strand). Cytogenetic location: 11q22.3.
Variant type: Duplication.
Coding change: c.8206_8207dup on transcript NM_000051.4 (MANE Select); coding-DNA positions 8206 to 8207, 2 bases duplicated (AA; older notation c.8206_8207dupAA).
Protein change: p.Asn2736fs; shifts the reading frame from asparagine 2736.
Molecular consequence: frameshift variant. On other transcripts: intron variant (2).
Genome position (GRCh38, 1-based): chr11:108,335,899-108,335,900, AA duplicated. VCF-style (leftmost placement, unchanged base first): chr11-108335898-T-TAA. GRCh37 (hg19) VCF-style: chr11-108206625-T-TAA.
Other names: c.8206_8207dup, p.Asn2736fs (NM_001351834.2); c.641-26829_641-26828dup (NM_001330368.2); c.695-608_695-607dup (NM_001351110.2); c.8205_8206insAA (NM_000051.3); short protein forms N2736fs.
Identifiers: ClinVar variation 142531 (VCV000142531.10), dbSNP rs587782525, ClinGen allele CA168643.

ClinVar aggregate classification (germline): Pathogenic. Review status: criteria provided, multiple submitters, no conflicts (2 of 4 stars). 2 submissions from 2 submitters: Pathogenic (2). Last evaluated 2024-07-22.

Conditions:
Hereditary cancer-predisposing syndrome. Also called: Neoplastic Syndromes, Hereditary; Hereditary Cancer Syndrome; Tumor predisposition; Hereditary neoplastic syndrome. Identifiers: Orphanet 140162, MedGen C0027672, MeSH D009386, MONDO:0015356.
Ataxia-telangiectasia syndrome (AT). Also called: Ataxia-telangiectasia, complementation group D; AT, COMPLEMENTATION GROUP C; Ataxia-telangiectasia; ATAXIA-TELANGIECTASIA, COMPLEMENTATION GROUP A; ATAXIA-TELANGIECTASIA, FRESNO VARIANT; Ataxia-telangiectasia, complementation group E. Identifiers: Orphanet 100, MedGen C0004135, MONDO:0008840, OMIM 208900.

Submissions (2):

Labcorp Genetics (formerly Invitae), Labcorp
Classification: Pathogenic for Ataxia-telangiectasia syndrome. Last evaluated: 2024-07-22. Review status: criteria provided, single submitter. Criteria: Invitae Variant Classification Sherloc (09022015). Collection method: clinical testing. Allele origin: germline.
Comment: This sequence change creates a premature translational stop signal (p.Asn2736Lysfs*16) in the ATM gene. It is expected to result in an absent or disrupted protein product. Loss-of-function variants in ATM are known to be pathogenic (PMID: 23807571, 25614872). This variant is not present in population databases (gnomAD no frequency). This premature translational stop signal has been observed in individual(s) with ovarian cancer (PMID: 28888541). This variant is also known as c.8205_8206INSAA (p.C2735*). ClinVar contains an entry for this variant (Variation ID: 142531). For these reasons, this variant has been classified as Pathogenic.

Ambry Genetics
Classification: Pathogenic for Hereditary cancer-predisposing syndrome. Last evaluated: 2013-07-15. Review status: criteria provided, single submitter. Criteria: Ambry Autosomal Dominant and X-Linked criteria (10/2015). Collection method: clinical testing. Allele origin: germline. Observed: 1 variant allele.
Comment: This alteration is expected to result in loss of function by premature protein truncation or nonsense-mediatedâ€¯mRNAâ€¯decay.â€¯As such, this alteration is interpreted as a disease-causing mutation.

Literature cited by the submitters: PubMed 23807571 (cited by Labcorp Genetics (formerly Invitae), Labcorp); PubMed 25614872 (cited by Labcorp Genetics (formerly Invitae), Labcorp); PubMed 28888541 (cited by Labcorp Genetics (formerly Invitae), Labcorp).